The following is an entry in ClinVar:

ClinVar aggregate classification (germline): Pathogenic/Likely pathogenic. Review status: criteria provided, multiple submitters, no conflicts (2 of 4 stars). 18 submissions from 17 submitters: Pathogenic (13); Likely pathogenic (1). 4 of the submissions do not count toward it. Last evaluated 2026-09-06.

Conditions:
Neutropenia, severe congenital, 8, autosomal dominant. Also called: NEUTROPENIA, SEVERE CONGENITAL, 8, AUTOSOMAL DOMINANT, WITH OR WITHOUT PANCREATIC DYSFUNCTION AND/OR NEUROLOGIC ABNORMALITIES; SHWACHMAN-DIAMOND SYNDROME-LIKE. Identifiers: Orphanet 675767, MedGen C5203411, MONDO:0032899, OMIM 618752.
Ciliary dyskinesia, primary, 40. Also called: CILIARY DYSKINESIA, PRIMARY, 40, WITH OR WITHOUT SITUS INVERSUS. Identifiers: MedGen C4749028, MONDO:0032664, OMIM 618300.
SRP54-related disorder. Also called: SRP54-related condition.
Shwachman-Diamond syndrome 1 (SDS1). Also called: LIPOMATOSIS OF PANCREAS, CONGENITAL. Identifiers: MedGen C4692625, MONDO:0044204, OMIM 260400.

Submissions (18):

GeneDx
Classification: Pathogenic. Last evaluated: 2026-09-06. Review status: criteria provided, single submitter. Criteria: GeneDx Variant Classification Process June 2021. Collection method: clinical testing. Allele origin: germline.
Comment: Published functional studies suggest a damaging effect (PMID: 28972538); In-frame deletion of 1 amino acid in a non-repeat region; Not observed at significant frequency in large population cohorts (gnomAD); In silico analysis supports a deleterious effect on protein structure/function; This variant is associated with the following publications: (PMID: 39966690, 28972538, 29956078, 32277798, 32196641, 32135276, 33227812, 32054657, 33726816, 33053321, 35295078, 35253356, 36159802, 36815775, 29914977)

Labcorp Genetics (formerly Invitae), Labcorp
Classification: Pathogenic. Last evaluated: 2025-11-01. Review status: criteria provided, single submitter. Criteria: Invitae Variant Classification Sherloc (09022015). Collection method: clinical testing. Allele origin: germline.
Comment: This variant, c.349_351del, results in the deletion of 1 amino acid(s) of the SRP54 protein (p.Thr117del), but otherwise preserves the integrity of the reading frame. This variant is not present in population databases (gnomAD no frequency). This variant has been observed in individual(s) with congenital neutropenia and Shwachman-Diamond-like syndrome (PMID: 28972538, 29914977, 29956078). In at least one individual the variant was observed to be de novo. Algorithms developed to predict the effect of variants on gene product structure and function are not available or were not evaluated for this variant. Experimental studies have shown that this variant affects SRP54 function (PMID: 28972538). For these reasons, this variant has been classified as Pathogenic.

Genomic Medicine Center of Excellence, King Faisal Specialist Hospital and Research Centre
Classification: Pathogenic for Neutropenia, severe congenital, 8, autosomal dominant. Last evaluated: 2025-09-10. Review status: criteria provided, single submitter. Criteria: ACMG Guidelines, 2015. Collection method: clinical testing. Allele origin: germline.

Variantyx, Inc.
Classification: Pathogenic for Neutropenia, severe congenital, 8, autosomal dominant. Last evaluated: 2025-08-28. Review status: criteria provided, single submitter. Criteria: Variantyx Assertion Criteria 2022. Collection method: clinical testing. Allele origin: germline. Inheritance: Autosomal dominant inheritance. Affected: yes.
Comment: This is an in-frame deletion variant in the SRP54 gene (OMIM: 604857). Pathogenic variants in this gene have been associated with autosomal dominant severe congenital neutropenia 8. The alteration causes an in-frame deletion of oe amino acid at position 117 of the SRP54 protein (PM4). It has been reported heterozygous in many unrelated affected individuals (PMID: 28972538, 29914977, 29956078) (PS4_Very_Strong), while it is absent from control populations (PM2). Functional studies have shown that this variant alters SRP54 protein function (PMID: 28972538) (PS3). Based on the current evidence, this variant is classified as pathogenic for autosomal dominant severe congenital neutropenia 8.

Mayo Clinic Laboratories, Mayo Clinic
Classification: Pathogenic. Last evaluated: 2025-07-10. Review status: criteria provided, single submitter. Criteria: ACMG Guidelines, 2015. Collection method: clinical testing. Allele origin: germline. Observed: 1 variant allele.
Comment: PP1_moderate, PM1, PM2_supporting, PM4, PS2, PS3_supporting, PS4

Genomic Medicine Center of Excellence, King Faisal Specialist Hospital and Research Centre
Classification: Pathogenic for Ciliary dyskinesia, primary, 40. Last evaluated: 2024-12-17. Review status: criteria provided, single submitter. Criteria: ACMG Guidelines, 2015. Collection method: clinical testing. Allele origin: germline.

Victorian Clinical Genetics Services, Murdoch Childrens Research Institute
Classification: Pathogenic for Neutropenia, severe congenital, 8, autosomal dominant. Last evaluated: 2024-10-28. Review status: criteria provided, single submitter. Criteria: ACMG Guidelines, 2015. Collection method: clinical testing. Allele origin: germline. Affected: yes.
Comment: This variant is classified as Pathogenic. Evidence in support of pathogenic classification: In-frame insertion/deletion fully contained in a repetitive region that has high conservation; Variant is absent from gnomAD (both v2 and v3); This variant has strong previous evidence of pathogenicity in unrelated individuals. It is a recurrent variant reported in several individuals with chronic neutropenia, including de novo events (PMID: 29914977; ClinVar). Additional information: This variant is heterozygous; This gene is associated with autosomal dominant disease. Variants expected to interact with the G1 element of the GTPase domain are associated with severe congenital neutropenia 8 (MIM#618752), while variants located elsewhere are associated with Shwachman-Diamond syndrome, SRP54-related (MONDO#0009833) (PMID: 29914977); Variant is located in the annotated GTPase domain (PMID: 29914977); The mechanism of disease for this gene is not clearly established. However, dominant-negative is the suggested mechanism (PMID: 33227812); Inheritance information for this variant is not currently available in this individual.

Blueprint Genetics
Classification: Pathogenic for SRP54-related disorders. Last evaluated: 2023-08-23. Review status: criteria provided, single submitter. Criteria: ACMG Guidelines, 2015. Collection method: clinical testing. Allele origin: germline. Affected: yes. Observed: 5 variant alleles.

Neuberg Centre For Genomic Medicine, NCGM
Classification: Pathogenic for Neutropenia, severe congenital, 8, autosomal dominant. Last evaluated: 2023-03-01. Review status: criteria provided, single submitter. Criteria: ACMG Guidelines, 2015. Collection method: clinical testing. Allele origin: germline. Inheritance: Autosomal dominant inheritance. Affected: yes.
Comment: The inframe deletion c.349_351del (p.Thr117del) variant in SRP54 gene has been previously reported in heterozygous state in multiple individuals affected with Severe Congenital Neutropenia (Carapito et al., 2017; Bellanné-Chantelot et al., 2018; Carden et al., 2018). Experimental studies indicate that this variant affects SRP54 function (Carapito et al., 2017). The p.Thr117del variant is novel (not in any individuals) in gnomAD Exomes and 1000 Genomes. This variant has been reported to the ClinVar database as Likely Pathogenic / Pathogenic (multiple submissions). This p.Thr117del causes deletion of amino acid Threonine at position 117. This variant is predicted to cause loss of normal protein function through protein truncation. Loss of function variants have been previously reported to be disease causing. For these reasons, this variant has been classified as Pathogenic.

Genetics and Molecular Pathology, SA Pathology
Classification: Pathogenic for Neutropenia, severe congenital, 8, autosomal dominant. Last evaluated: 2021-03-05. Review status: criteria provided, single submitter. Criteria: ACMG Guidelines, 2015. Collection method: clinical testing. Allele origin: germline. Inheritance: Autosomal dominant inheritance. Affected: yes.

Institute of Medical Genetics and Applied Genomics, University Hospital Tübingen
Classification: Pathogenic. Last evaluated: 2020-10-23. Review status: criteria provided, single submitter. Criteria: ACMG Guidelines, 2015. Collection method: clinical testing. Allele origin: germline. Inheritance: Autosomal dominant inheritance. Affected: yes.

CeGaT Center for Human Genetics Tuebingen
Classification: Pathogenic. Last evaluated: 2018-10-01. Review status: criteria provided, single submitter. Criteria: CeGaT Center For Human Genetics Tuebingen Variant Classification Criteria Version 2. Collection method: clinical testing. Allele origin: germline. Affected: yes. Observed: 1 variant allele.

Eurofins Ntd Llc (ga)
Classification: Likely pathogenic. Last evaluated: 2018-03-23. Review status: criteria provided, single submitter. Criteria: EGL ClinVar v180209 classification definitions. Collection method: clinical testing. Allele origin: germline. Observed: 1 variant allele, 1 heterozygote.

Clinical Genetics Service, Universitary Hospital 12 de Octubre
Classification: Pathogenic for Neutropenia, severe congenital, 8, autosomal dominant. Review status: criteria provided, single submitter. Criteria: ACMG Guidelines, 2015. Collection method: clinical testing. Allele origin: germline. Affected: yes.

Biochemical Molecular Genetic Laboratory, King Abdulaziz Medical City
Classification: Pathogenic for Neutropenia, severe congenital, 8, autosomal dominant. Last evaluated: 2020-06-07. Review status: no assertion criteria provided. Collection method: clinical testing. Allele origin: germline. Affected: yes. Not counted in ClinVar's aggregate classification.

OMIM
Classification: Pathogenic for NEUTROPENIA, SEVERE CONGENITAL, 8, AUTOSOMAL DOMINANT. Last evaluated: 2020-01-31. Review status: no assertion criteria provided. Collection method: literature only. Allele origin: germline. Not counted in ClinVar's aggregate classification.

Molecular ImmunoRheumatology UMRS_1109, Institut national de la santé et de la recherche médicale
Classification: Pathogenic for Shwachman-Diamond syndrome 1. Last evaluated: 2017-07-14. Review status: no assertion criteria provided. Collection method: clinical testing. Allele origin: de novo. Affected: yes. Not counted in ClinVar's aggregate classification.

GeneReviews
No classification provided. Condition: Neutropenia, severe congenital, 8, autosomal dominant. Review status: no classification provided. Collection method: literature only. Allele origin: germline. Not counted in ClinVar's aggregate classification.

Literature cited by the submitters: PubMed 28972538 (cited by 7 submitters); PubMed 29914977 (cited by 5 submitters); PubMed 29956078 (cited by Labcorp Genetics (formerly Invitae), Labcorp and Variantyx, Inc.); PubMed 32054657 (cited by Mayo Clinic Laboratories, Mayo Clinic); PubMed 32135276 (cited by Mayo Clinic Laboratories, Mayo Clinic); PubMed 32196641 (cited by Mayo Clinic Laboratories, Mayo Clinic); PubMed 32277798 (cited by Mayo Clinic Laboratories, Mayo Clinic); PubMed 33227812 (cited by Mayo Clinic Laboratories, Mayo Clinic and Victorian Clinical Genetics Services, Murdoch Childrens Research Institute); PubMed 33726816 (cited by Mayo Clinic Laboratories, Mayo Clinic); PubMed 35253356 (cited by Mayo Clinic Laboratories, Mayo Clinic); PubMed 35295078 (cited by Mayo Clinic Laboratories, Mayo Clinic); PubMed 36159802 (cited by Mayo Clinic Laboratories, Mayo Clinic).

NM_003136.4(SRP54):c.343ACA[2] (p.Thr117del)

Gene: SRP54 (signal recognition particle 54; plus strand). Cytogenetic location: 14q13.2.
Variant type: Microsatellite.
Coding change: c.343ACA[2] on transcript NM_003136.4 (MANE Select); two copies in a row of the 3-base unit ACA starting at c.343; the reference has three copies in a row; one copy, 3 bases deleted; also written c.349_351del.
Protein change: p.Thr117del; deletes threonine 117.
Molecular consequence: inframe deletion.
Genome position (GRCh38, 1-based): chr14:35,007,376-35,007,378, ACA deleted; deleting any 3 consecutive bases within chr14:35,007,369-35,007,378 gives the same sequence; the position shown is the placement nearest the transcript's 3' end. VCF-style (leftmost placement, unchanged base first): chr14-35007368-AAAC-A. GRCh37 (hg19) VCF-style: chr14-35476574-AAAC-A.
Other names: p.Thr117del; c.196ACA[2], p.Thr68del (NM_001146282.2); c.349_351delACA (NM_003136.3); c.349_351del (NM_003136.4); c.342_344del (NM_003136.3); short protein forms T117del, T68del.
Identifiers: ClinVar variation 430852 (VCV000430852.68), dbSNP rs1555354198, ClinGen allele CA658658253.
Genomic context (GRCh38, chr14:35,007,368, plus strand): 5'-GGACACCCACTAAAGGAAAACAAAATGTGATTATGTTTGTTGGATTGCAAGGGAGTGGTA[AAAC>A]AACAACATGTTCAAAGGTAAATTGAACTTAATTTAAAAAGAAGTCATATGGAAGATAGGT-3'